The following is an entry in ClinVar:

ClinVar aggregate classification (germline): Conflicting classifications of pathogenicity. Review status: criteria provided, conflicting classifications (1 of 4 stars). 3 submissions from 3 submitters: Uncertain significance (2); Likely benign (1). Last evaluated 2025-12-29.

Conditions:
Cardiovascular phenotype. Identifiers: MedGen CN230736.
Dilated cardiomyopathy 1G (CMD1G). Identifiers: Orphanet 154, MedGen C1858763, MONDO:0011400, OMIM 604145.
Autosomal recessive limb-girdle muscular dystrophy type 2J (LGMDR10). Also called: MUSCULAR DYSTROPHY, LIMB-GIRDLE, AUTOSOMAL RECESSIVE 10; Limb-girdle muscular dystrophy, type 2J. Identifiers: Orphanet 140922, MedGen C1837342, MONDO:0012127, OMIM 608807.

Allele frequency attached by ClinVar (database versions not stated): gnomAD exomes 0.00001; TOPMed 0.00001; gnomAD 0.00002.
gnomAD v4.1: 39 of 1,613,940 alleles (0.0024%); highest among the groups gnomAD compares: Non-Finnish European, 0.0033%; no homozygotes.

Submissions (3):

Labcorp Genetics (formerly Invitae), Labcorp
Classification: Likely benign for Dilated cardiomyopathy 1G; Autosomal recessive limb-girdle muscular dystrophy type 2J. Last evaluated: 2025-12-29. Review status: criteria provided, single submitter. Criteria: Invitae Variant Classification Sherloc (09022015). Collection method: clinical testing. Allele origin: germline.

Ambry Genetics
Classification: Uncertain significance for Cardiovascular phenotype. Last evaluated: 2024-08-21. Review status: criteria provided, single submitter. Criteria: Ambry Variant Classification Scheme 2023. Collection method: clinical testing. Allele origin: germline.
Comment: The c.4224A>G variant (also known as p.L1408L), located in coding exon 23 of the TTN gene, results from an A to G substitution at nucleotide position 4224. This nucleotide substitution does not change the leucine at codon 1408. This nucleotide position is poorly conserved in available vertebrate species. In silico splice site analysis for this alteration is inconclusive. Based on the available evidence, the clinical significance of this variant remains unclear.

Eurofins Ntd Llc (ga)
Classification: Uncertain significance. Last evaluated: 2015-05-04. Review status: criteria provided, single submitter. Criteria: EGL Classification Definitions 2015. Collection method: clinical testing. Allele origin: germline. Observed: 1 variant allele, 1 heterozygote.

NM_001267550.2(TTN):c.4362A>G (p.Leu1454=)

Genes: TTN (titin; minus strand), LOC101927055 (uncharacterized LOC101927055; plus strand). Cytogenetic location: 2q31.2.
Variant type: single nucleotide variant.
Coding change: c.4362A>G on transcript NM_001267550.2 (MANE Select); coding-DNA position 4362, A replaced by G.
Protein change: p.Leu1454=; no amino-acid change (leucine 1454 retained).
Molecular consequence: synonymous variant. On other transcripts: non-coding transcript variant (1).
Genome position (GRCh38, 1-based): chr2:178,777,822, T>C on the plus strand (A>G on the coding strand, the complement: TTN is on the minus strand). VCF-style: chr2-178777822-T-C. GRCh37 (hg19) VCF-style: chr2-179642549-T-C.
Other names: c.4362A>G, p.Leu1454= (NM_001256850.1, NM_133378.4, NM_133379.5); c.4224A>G, p.Leu1408= (NM_003319.4, NM_133432.3, NM_133437.4).
Identifiers: ClinVar variation 195910 (VCV000195910.14), dbSNP rs794727406, ClinGen allele CA242580.